The following is an entry in ClinVar:

ClinVar aggregate classification (germline): Uncertain significance (1 of 4 stars; one submission).

Conditions:
Emery-Dreifuss muscular dystrophy 4, autosomal dominant (EDMD4). Also called: EMERY-DREIFUSS MUSCULAR DYSTROPHY 4 WITH VARIABLE FEATURES. Identifiers: Orphanet 261, MedGen C2751807, MONDO:0013071, OMIM 612998.
Autosomal recessive ataxia, Beauce type. Also called: Spinocerebellar ataxia, autosomal recessive 8; ATAXIA, RECESSIVE, OF BEAUCE; SYNE1-Related Autosomal Recessive Cerebellar Ataxia; SYNE1 Deficiency. Identifiers: Orphanet 88644, MedGen C1853116, MONDO:0012549, OMIM 610743.

Allele frequency attached by ClinVar (database versions not stated): gnomAD 0.00001; TOPMed 0.00001; ExAC 0.00002; gnomAD exomes 0.00003.
gnomAD v4.1: 29 of 1,614,036 alleles (0.0018%); highest among the groups gnomAD compares: Non-Finnish European, 0.0025%; no homozygotes.

Submission:

Labcorp Genetics (formerly Invitae), Labcorp
Classification: Uncertain significance for Emery-Dreifuss muscular dystrophy 4, autosomal dominant; Autosomal recessive ataxia, Beauce type. Last evaluated: 2021-09-02. Review status: criteria provided, single submitter. Criteria: Invitae Variant Classification Sherloc (09022015). Collection method: clinical testing. Allele origin: germline.
Comment: This sequence change replaces methionine with valine at codon 7398 of the SYNE1 protein (p.Met7398Val). The methionine residue is highly conserved and there is a small physicochemical difference between methionine and valine. This variant is present in population databases (rs751450784, ExAC 0.003%). This variant has not been reported in the literature in individuals affected with SYNE1-related conditions. Algorithms developed to predict the effect of missense changes on protein structure and function are either unavailable or do not agree on the potential impact of this missense change (SIFT: "Deleterious"; PolyPhen-2: "Probably Damaging"; Align-GVGD: "Class C15"). In summary, the available evidence is currently insufficient to determine the role of this variant in disease. Therefore, it has been classified as a Variant of Uncertain Significance.

NM_182961.4(SYNE1):c.22405A>G (p.Met7469Val)

Gene: SYNE1 (spectrin repeat containing nuclear envelope protein 1; minus strand). Cytogenetic location: 6q25.2.
Variant type: single nucleotide variant.
Coding change: c.22405A>G on transcript NM_182961.4 (MANE Select); coding-DNA position 22405, A replaced by G.
Protein change: p.Met7469Val; replaces methionine 7469 with valine.
Molecular consequence: missense variant.
Genome position (GRCh38, 1-based): chr6:152,213,701, T>C on the plus strand (A>G on the coding strand, the complement: SYNE1 is on the minus strand). VCF-style: chr6-152213701-T-C. GRCh37 (hg19) VCF-style: chr6-152534836-T-C.
Other names: c.22192A>G, p.Met7398Val (NM_033071.5); short protein forms M7398V, M7469V.
Identifiers: ClinVar variation 665517 (VCV000665517.6), dbSNP rs751450784, ClinGen allele CA4053886.